The following is an entry in ClinVar:

NM_018475.5(TMEM165):c.747G>A (p.Trp249Ter)

Gene: TMEM165 (transmembrane protein 165; plus strand). Cytogenetic location: 4q12.
Variant type: single nucleotide variant.
Coding change: c.747G>A on transcript NM_018475.5 (MANE Select); coding-DNA position 747, G replaced by A.
Protein change: p.Trp249Ter; replaces tryptophan 249 with a stop codon.
Molecular consequence: nonsense. On other transcripts: non-coding transcript variant (1).
Genome position (GRCh38, 1-based): chr4:55,417,940, G>A. VCF-style: chr4-55417940-G-A. GRCh37 (hg19) VCF-style: chr4-56284107-G-A.
Other names: short protein forms W249*.
Identifiers: ClinVar variation 2768393 (VCV002768393.3), dbSNP rs2545501546, ClinGen allele CA356903444.

ClinVar aggregate classification (germline): Pathogenic (1 of 4 stars; one submission).

Conditions:
TMEM165-congenital disorder of glycosylation. Also called: TMEM165-CDG; CDG IIk; Congenital disorder of glycosylation type 2k. Identifiers: Orphanet 314667, MedGen C3553571, MONDO:0013870, OMIM 614727.

Submission:

Labcorp Genetics (formerly Invitae), Labcorp
Classification: Pathogenic for TMEM165-congenital disorder of glycosylation. Last evaluated: 2023-10-14. Review status: criteria provided, single submitter. Criteria: Invitae Variant Classification Sherloc (09022015). Collection method: clinical testing. Allele origin: germline.
Comment: This sequence change creates a premature translational stop signal (p.Trp249*) in the TMEM165 gene. It is expected to result in an absent or disrupted protein product. Loss-of-function variants in TMEM165 are known to be pathogenic (PMID: 22683087, 33413482). This variant is not present in population databases (gnomAD no frequency). This variant has not been reported in the literature in individuals affected with TMEM165-related conditions. For these reasons, this variant has been classified as Pathogenic.

Literature cited by the submitters: PubMed 22683087; PubMed 33413482.